The following is an entry in ClinVar:

NM_004329.3(BMPR1A):c.1456C>G (p.Arg486Gly)

Gene: BMPR1A (bone morphogenetic protein receptor type 1A; plus strand). Cytogenetic location: 10q23.2.
Variant type: single nucleotide variant.
Coding change: c.1456C>G on transcript NM_004329.3 (MANE Select); coding-DNA position 1456, C replaced by G.
Protein change: p.Arg486Gly; replaces arginine 486 with glycine.
Molecular consequence: missense variant. On other transcripts: non-coding transcript variant (3).
Genome position (GRCh38, 1-based): chr10:86,923,489, C>G. VCF-style: chr10-86923489-C-G. GRCh37 (hg19) VCF-style: chr10-88683246-C-G.
Other names: c.1372C>G, p.Arg458Gly (NM_001406584.1, NM_001406585.1, NM_001406586.1 and 2 more transcripts); c.1114C>G, p.Arg372Gly (NM_001406589.1); c.1531C>G, p.Arg511Gly (NM_001406559.1); c.1504C>G, p.Arg502Gly (NM_001406560.1); c.1456C>G, p.Arg486Gly (NM_001406561.1, NM_001406562.1, NM_001406563.1 and 19 more transcripts); c.1450C>G, p.Arg484Gly (NM_001406583.1); short protein forms R458G, R511G, R484G, R486G, R372G, R502G.
Identifiers: ClinVar variation 5032961 (VCV005032961.1).

ClinVar aggregate classification (germline): Uncertain significance (1 of 4 stars; one submission).

Conditions:
Hereditary cancer-predisposing syndrome. Also called: Neoplastic Syndromes, Hereditary; Tumor predisposition; Hereditary neoplastic syndrome; Hereditary Cancer Syndrome. Identifiers: Orphanet 140162, MedGen C0027672, MeSH D009386, MONDO:0015356.

Submission:

Ambry Genetics
Classification: Uncertain significance for Hereditary cancer-predisposing syndrome. Last evaluated: 2026-07-06. Review status: criteria provided, single submitter. Criteria: Ambry Variant Classification Scheme 2023. Collection method: clinical testing. Allele origin: germline.
Comment: The p.R486G variant (also known as c.1456C>G), located in coding exon 10 of the BMPR1A gene, results from a C to G substitution at nucleotide position 1456. The arginine at codon 486 is replaced by glycine, an amino acid with dissimilar properties. This amino acid position is conserved. In addition, the in silico prediction for this alteration is inconclusive. Based on the available evidence, the clinical significance of this variant remains unclear.